The following is an entry in ClinVar:

NM_016284.5(CNOT1):c.5698C>G (p.Arg1900Gly)

Gene: CNOT1 (CCR4-NOT transcription complex subunit 1; minus strand). Cytogenetic location: 16q21.
Variant type: single nucleotide variant.
Coding change: c.5698C>G on transcript NM_016284.5 (MANE Select); coding-DNA position 5698, C replaced by G.
Protein change: p.Arg1900Gly; replaces arginine 1900 with glycine.
Molecular consequence: missense variant. On other transcripts: non-coding transcript variant (1).
Genome position (GRCh38, 1-based): chr16:58,534,344, G>C on the plus strand (C>G on the coding strand, the complement: CNOT1 is on the minus strand). VCF-style: chr16-58534344-G-C. GRCh37 (hg19) VCF-style: chr16-58568248-G-C.
Other names: c.5683C>G, p.Arg1895Gly (NM_001265612.2); short protein forms R1895G, R1900G.
Identifiers: ClinVar variation 1315333 (VCV001315333.2), dbSNP rs868412977, ClinGen allele CA396163909.
Genomic context (GRCh38, chr16:58,534,344, plus strand): 5'-TGTGCTGCTGCTCAGCCTGAGCACGGTAACTGATTTCAACACACATTTCAGTACACAGAC[G>C]AAAGAACCTTGTTATGAGATCATCGGTCTTCAGTATTCCTTGCTGGTGCATCTACAACAG-3'
Protein context (NP_057368.3, residues 1890-1910): KTDDLITRFF[Arg1900Gly]LCTEMCVEIS

ClinVar aggregate classification (germline): Uncertain significance (1 of 4 stars; one submission).

Allele frequency attached by ClinVar (database versions not stated): gnomAD exomes below 0.00001.
gnomAD v4.1: 1 of 1,614,110 alleles (0.000062%); highest among the groups gnomAD compares: Non-Finnish European, 0.000085%; no homozygotes.

Submission:

GeneDx
Classification: Uncertain significance. Last evaluated: 2020-03-04. Review status: criteria provided, single submitter. Criteria: GeneDx Variant Classification Process June 2021. Collection method: clinical testing. Allele origin: germline. Affected: yes.
Comment: Has not been previously published as pathogenic or benign to our knowledge; Not observed in large population cohorts (Lek et al., 2016); In silico analysis supports that this missense variant has a deleterious effect on protein structure/function